The following is an entry in ClinVar:

ClinVar aggregate classification (germline): Benign/Likely benign. Review status: criteria provided, multiple submitters, no conflicts (2 of 4 stars). 3 submissions from 3 submitters: Benign (1); Likely benign (2). Last evaluated 2019-12-31.

Conditions:
Long QT syndrome (LQTS). Identifiers: MedGen C0023976, MeSH D008133, MONDO:0002442. Disease mechanism: loss of function. Inheritance: Various modes of inheritance.

Allele frequency attached by ClinVar (database versions not stated): 1000 Genomes Project 0.00679; 1000 Genomes Project 30x 0.00703; TOPMed 0.01200; gnomAD 0.01241 and 0.01290; gnomAD exomes 0.01477.
gnomAD v4.1: 7,903 of 558,642 alleles (1.4%); highest among the groups gnomAD compares: Middle Eastern, 2.2%; 77 homozygotes.

Submissions (3):

Labcorp Genetics (formerly Invitae), Labcorp
Classification: Benign for Long QT syndrome. Last evaluated: 2019-12-31. Review status: criteria provided, single submitter. Criteria: Invitae Variant Classification Sherloc (09022015). Collection method: clinical testing. Allele origin: germline.

GeneDx
Classification: Likely benign. Last evaluated: 2018-06-19. Review status: criteria provided, single submitter. Criteria: GeneDx Variant Classification (06012015). Collection method: clinical testing. Allele origin: germline. Affected: yes.
Comment: This variant is considered likely benign or benign based on one or more of the following criteria: it is a conservative change, it occurs at a poorly conserved position in the protein, it is predicted to be benign by multiple in silico algorithms, and/or has population frequency not consistent with disease.

Breakthrough Genomics
Classification: Likely benign. Review status: criteria provided, single submitter. Criteria: ACMG Guidelines, 2015. Collection method: not provided. Allele origin: germline. Inheritance: Autosomal dominant inheritance. Affected: yes.

NM_000719.7(CACNA1C):c.4527-151C>T

Gene: CACNA1C (calcium voltage-gated channel subunit alpha1 C; plus strand). Cytogenetic location: 12p13.33.
Variant type: single nucleotide variant.
Coding change: c.4527-151C>T on transcript NM_000719.7 (MANE Select); 151 bases into the intron before coding-DNA position 4527, C replaced by T.
Molecular consequence: intron variant.
Genome position (GRCh38, 1-based): chr12:2,666,535, C>T. VCF-style: chr12-2666535-C-T. GRCh37 (hg19) VCF-style: chr12-2775701-C-T.
Other names: c.4527-151C>T (NM_001167624.3, NM_001167623.2, NM_001129840.2 and 7 more transcripts); c.4494-151C>T (NM_001167625.2, NM_001129837.2, NM_001129838.2 and 1 more transcripts); c.4671-151C>T (NM_199460.4, NM_001129827.2); c.4587-151C>T (NM_001129832.2); c.4611-151C>T (NM_001129831.2); c.4593-151C>T (NM_001129829.2); c.4488-151C>T (NM_001129839.2); c.4578-151C>T (NM_001129836.2); and 1 more.
Identifiers: ClinVar variation 674687 (VCV000674687.6), dbSNP rs77773628, ClinGen allele CA231598801.